The following is an entry in ClinVar:

NM_016599.5(MYOZ2):c.-14-112G>A

Gene: MYOZ2 (myozenin 2; plus strand). Cytogenetic location: 4q26.
Variant type: single nucleotide variant.
Coding change: c.-14-112G>A on transcript NM_016599.5 (MANE Select); 112 bases into the intron before 14 bases upstream of the start codon, G replaced by A.
Molecular consequence: intron variant.
Genome position (GRCh38, 1-based): chr4:119,136,400, G>A. VCF-style: chr4-119136400-G-A. GRCh37 (hg19) VCF-style: chr4-120057555-G-A.
Identifiers: ClinVar variation 675767 (VCV000675767.2), dbSNP rs78415046, ClinGen allele CA104968998.

ClinVar aggregate classification (germline): Benign. Review status: criteria provided, multiple submitters, no conflicts (2 of 4 stars). 2 submissions from 2 submitters: Benign (2). Last evaluated 2018-06-19.

Allele frequency attached by ClinVar (database versions not stated): gnomAD exomes 0.00314; gnomAD 0.02252 and 0.02445; 1000 Genomes Project 0.02276; 1000 Genomes Project 30x 0.02405; TOPMed 0.02570.
gnomAD v4.1: 6,067 of 940,774 alleles (0.64%); highest among the groups gnomAD compares: African/African-American, 7.4%; 200 homozygotes.

Submissions (2):

GeneDx
Classification: Benign. Last evaluated: 2018-06-19. Review status: criteria provided, single submitter. Criteria: GeneDx Variant Classification (06012015). Collection method: clinical testing. Allele origin: germline. Affected: yes.
Comment: This variant is considered likely benign or benign based on one or more of the following criteria: it is a conservative change, it occurs at a poorly conserved position in the protein, it is predicted to be benign by multiple in silico algorithms, and/or has population frequency not consistent with disease.

Breakthrough Genomics
Classification: Benign. Review status: criteria provided, single submitter. Criteria: ACMG Guidelines, 2015. Collection method: not provided. Allele origin: germline. Inheritance: Autosomal dominant inheritance. Affected: yes.